The following is an entry in ClinVar:

ClinVar aggregate classification (germline): Conflicting classifications of pathogenicity. Review status: criteria provided, conflicting classifications (1 of 4 stars). 3 submissions from 3 submitters: Uncertain significance (2); Likely benign (1). Last evaluated 2024-07-02.

Conditions:
Inborn genetic diseases. Identifiers: MedGen C0950123, MeSH D030342.

Allele frequency attached by ClinVar (database versions not stated): gnomAD exomes 0.00001 and 0.00002; TOPMed 0.00001; ExAC 0.00002; gnomAD 0.00002.
gnomAD v4.1: 21 of 1,613,638 alleles (0.0013%); highest among the groups gnomAD compares: South Asian, 0.0022%; no homozygotes.

Submissions (3):

Blueprint Genetics
Classification: Likely benign. Last evaluated: 2024-07-02. Review status: criteria provided, single submitter. Criteria: ACMG Guidelines, 2015. Collection method: clinical testing. Allele origin: germline.

Ambry Genetics
Classification: Uncertain significance for Inborn genetic diseases. Last evaluated: 2021-07-14. Review status: criteria provided, single submitter. Criteria: Ambry Variant Classification Scheme 2023. Collection method: clinical testing. Allele origin: germline.

Labcorp Genetics (formerly Invitae), Labcorp
Classification: Uncertain significance. Last evaluated: 2020-11-25. Review status: criteria provided, single submitter. Criteria: Invitae Variant Classification Sherloc (09022015). Collection method: clinical testing. Allele origin: germline.
Comment: This sequence change replaces arginine with glutamine at codon 1200 of the NSD1 protein (p.Arg1200Gln). The arginine residue is weakly conserved and there is a small physicochemical difference between arginine and glutamine. This variant is present in population databases (rs753389957, ExAC 0.004%). This variant has not been reported in the literature in individuals with NSD1-related disease. Algorithms developed to predict the effect of missense changes on protein structure and function (SIFT, PolyPhen-2, Align-GVGD) all suggest that this variant is likely to be tolerated, but these predictions have not been confirmed by published functional studies and their clinical significance is uncertain. In summary, the available evidence is currently insufficient to determine the role of this variant in disease. Therefore, it has been classified as a Variant of Uncertain Significance.

NM_022455.5(NSD1):c.3599G>A (p.Arg1200Gln)

Gene: NSD1 (nuclear receptor binding SET domain protein 1; plus strand). Cytogenetic location: 5q35.3.
Variant type: single nucleotide variant.
Coding change: c.3599G>A on transcript NM_022455.5 (MANE Select); coding-DNA position 3599, G replaced by A.
Protein change: p.Arg1200Gln; replaces arginine 1200 with glutamine.
Molecular consequence: missense variant.
Genome position (GRCh38, 1-based): chr5:177,211,998, G>A. VCF-style: chr5-177211998-G-A. GRCh37 (hg19) VCF-style: chr5-176638999-G-A.
Other names: c.2726G>A, p.Arg909Gln (NM_001365684.2, NM_001409306.1, NM_001409307.1 and 3 more transcripts); c.3599G>A, p.Arg1200Gln (NM_001409301.1, NM_001409302.1, NM_001409303.1); c.3179G>A, p.Arg1060Gln (NM_001409304.1); c.2846G>A, p.Arg949Gln (NM_001409305.1); short protein forms R1200Q, R931Q, R949Q, R909Q, R1060Q.
Identifiers: ClinVar variation 1060165 (VCV001060165.11), dbSNP rs753389957, ClinGen allele CA3577470.